The following is an entry in ClinVar:

NM_014141.6(CNTNAP2):c.316A>T (p.Ser106Cys)

Gene: CNTNAP2 (contactin associated protein 2; plus strand). Cytogenetic location: 7q35.
Variant type: single nucleotide variant.
Coding change: c.316A>T on transcript NM_014141.6 (MANE Select); coding-DNA position 316, A replaced by T.
Protein change: p.Ser106Cys; replaces serine 106 with cysteine.
Molecular consequence: missense variant.
Genome position (GRCh38, 1-based): chr7:146,839,818, A>T. VCF-style: chr7-146839818-A-T. GRCh37 (hg19) VCF-style: chr7-146536910-A-T.
Other names: short protein forms S106C.
Identifiers: ClinVar variation 1315971 (VCV001315971.2), dbSNP rs1268177906, ClinGen allele CA369922695.
Genomic context (GRCh38, chr7:146,839,818, plus strand): 5'-CAGGTTGACTTTGGCAATCGGAAGCAGATCAGTGCCATTGCAACCCAAGGAAGGTATAGC[A>T]GCTCAGATTGGGTGACCCAATACCGGATGCTCTACAGCGACACAGGGAGAAACTGGAAAC-3'
Protein context (NP_054860.1, residues 96-116): SAIATQGRYS[Ser106Cys]SDWVTQYRML

ClinVar aggregate classification (germline): Uncertain significance (1 of 4 stars; one submission).

Allele frequency attached by ClinVar (database versions not stated): TOPMed below 0.00001.

Submission:

GeneDx
Classification: Uncertain significance. Last evaluated: 2019-12-13. Review status: criteria provided, single submitter. Criteria: GeneDx Variant Classification Process June 2021. Collection method: clinical testing. Allele origin: germline. Affected: yes.
Comment: Not observed in large population cohorts (Lek et al., 2016); In silico analysis, which includes protein predictors and evolutionary conservation, supports a deleterious effect; Has not been previously published as pathogenic or benign to our knowledge